The following is an entry in ClinVar:

ClinVar aggregate classification (germline): Pathogenic. Review status: criteria provided, multiple submitters, no conflicts (2 of 4 stars). 2 submissions from 2 submitters: Pathogenic (2). Last evaluated 2025-01-27.

Conditions:
Multiple congenital exostosis (EXT). Also called: Multiple exostoses; Hereditary multiple exostoses; Hereditary multiple exostosis; MULTIPLE CARTILAGINOUS EXOSTOSES; Multiple osteochondromas; Hereditary multiple osteochondromas. Identifiers: Orphanet 321, MedGen C0015306, MONDO:0005508, HP:0002762.

Submissions (2):

Labcorp Genetics (formerly Invitae), Labcorp
Classification: Pathogenic for Multiple congenital exostosis. Last evaluated: 2025-01-27. Review status: criteria provided, single submitter. Criteria: Invitae Variant Classification Sherloc (09022015). Collection method: clinical testing. Allele origin: germline.
Comment: This sequence change creates a premature translational stop signal (p.Arg83Profs*106) in the EXT1 gene. It is expected to result in an absent or disrupted protein product. Loss-of-function variants in EXT1 are known to be pathogenic (PMID: 10679937, 11391482, 19810120). This variant is not present in population databases (gnomAD no frequency). This premature translational stop signal has been observed in individual(s) with multiple osteochondromas (PMID: 9150727, 18165274, 19810120, 30334991; internal data). Invitae Evidence Modeling of clinical and family history, age, sex, and reported ancestry of multiple individuals with this EXT1 variant has been performed. This variant is expected to be pathogenic with a positive predictive value of at least 99%. This is a validated machine learning model that incorporates the clinical features of 50,122 individuals referred to our laboratory for EXT1 testing. ClinVar contains an entry for this variant (Variation ID: 503617). For these reasons, this variant has been classified as Pathogenic.

GeneDx
Classification: Pathogenic. Last evaluated: 2024-11-25. Review status: criteria provided, single submitter. Criteria: GeneDx Variant Classification Process June 2021. Collection method: clinical testing. Allele origin: germline. Affected: yes.
Comment: Identified in patients with clinical features of EXT1-related hereditary multiple osteochondromas referred for testing at GeneDx and in published literature (PMID: 35806987, 29126381); Frameshift variant predicted to result in protein truncation or nonsense mediated decay in a gene for which loss of function is a known mechanism of disease; Not observed at significant frequency in large population cohorts (gnomAD); This variant is associated with the following publications: (PMID: 9150727, 30334991, 29126381, 35806987)

Literature cited by the submitters: PubMed 10679937 (cited by Labcorp Genetics (formerly Invitae), Labcorp); PubMed 11391482 (cited by Labcorp Genetics (formerly Invitae), Labcorp); PubMed 19810120 (cited by Labcorp Genetics (formerly Invitae), Labcorp); PubMed 9150727 (cited by Labcorp Genetics (formerly Invitae), Labcorp); PubMed 18165274 (cited by Labcorp Genetics (formerly Invitae), Labcorp); PubMed 30334991 (cited by Labcorp Genetics (formerly Invitae), Labcorp).

NM_000127.3(EXT1):c.247dup (p.Arg83fs)

Gene: EXT1 (exostosin glycosyltransferase 1; minus strand). Cytogenetic location: 8q24.11.
Variant type: Duplication.
Coding change: c.247dup on transcript NM_000127.3 (MANE Select); coding-DNA position 247, one base duplicated (C; older notation c.247dupC).
Protein change: p.Arg83fs; shifts the reading frame from arginine 83.
Molecular consequence: frameshift variant.
Genome position (GRCh38, 1-based): chr8:118,110,800, G duplicated on the plus strand (C on the coding strand, the reverse complement: EXT1 is on the minus strand); the first of 6 consecutive G bases (chr8:118,110,800-118,110,805); duplicating any one gives the same sequence. VCF-style (leftmost placement, unchanged base first): chr8-118110799-C-CG. GRCh37 (hg19) VCF-style: chr8-119123038-C-CG.
Other names: c.247dupC (NM_000127.2); short protein forms R83fs.
Identifiers: ClinVar variation 503617 (VCV000503617.10), dbSNP rs1554601559, ClinGen allele CA658797144.